The following is an entry in ClinVar:

NM_001113378.2(FANCI):c.898G>T (p.Asp300Tyr)

Gene: FANCI (FA complementation group I; plus strand). Cytogenetic location: 15q26.1.
Variant type: single nucleotide variant.
Coding change: c.898G>T on transcript NM_001113378.2 (MANE Select); coding-DNA position 898, G replaced by T.
Protein change: p.Asp300Tyr; replaces aspartic acid 300 with tyrosine.
Molecular consequence: missense variant.
Genome position (GRCh38, 1-based): chr15:89,273,392, G>T. VCF-style: chr15-89273392-G-T. GRCh37 (hg19) VCF-style: chr15-89816623-G-T.
Other names: c.619G>T, p.Asp207Tyr (NM_001376910.1); c.898G>T, p.Asp300Tyr (NM_001376911.1, NM_018193.3); short protein forms D207Y, D300Y.
Identifiers: ClinVar variation 1416891 (VCV001416891.7), dbSNP rs1567151740, ClinGen allele CA393741312.

ClinVar aggregate classification (germline): Uncertain significance. Review status: criteria provided, multiple submitters, no conflicts (2 of 4 stars). 2 submissions from 2 submitters: Uncertain significance (2). Last evaluated 2022-08-16.

Conditions:
Fanconi anemia (FA). Also called: Fanconi's anemia. Identifiers: Orphanet 84, MedGen C0015625, MeSH D005199, MONDO:0019391.

Submissions (2):

Labcorp Genetics (formerly Invitae), Labcorp
Classification: Uncertain significance for Fanconi anemia. Last evaluated: 2022-08-16. Review status: criteria provided, single submitter. Criteria: Invitae Variant Classification Sherloc (09022015). Collection method: clinical testing. Allele origin: germline.
Comment: This sequence change replaces aspartic acid, which is acidic and polar, with tyrosine, which is neutral and polar, at codon 300 of the FANCI protein (p.Asp300Tyr). This variant is not present in population databases (gnomAD no frequency). This variant has not been reported in the literature in individuals affected with FANCI-related conditions. ClinVar contains an entry for this variant (Variation ID: 1416891). Algorithms developed to predict the effect of missense changes on protein structure and function are either unavailable or do not agree on the potential impact of this missense change (SIFT: "Deleterious"; PolyPhen-2: "Benign"; Align-GVGD: "Class C0"). In summary, the available evidence is currently insufficient to determine the role of this variant in disease. Therefore, it has been classified as a Variant of Uncertain Significance.

Sema4
Classification: Uncertain significance for Fanconi anemia. Last evaluated: 2022-02-28. Review status: criteria provided, single submitter. Criteria: Sema4 Curation Guidelines. Collection method: curation. Allele origin: germline.
Comment: The FANCI c.898G>T(p.D300Y) variant has not been reported in the literature to our knowledge. This variant is not reported in the population database Genome Aggregation Database (PMID: 32461654). The variant has not been reported in ClinVar. Functional studies have not been performed, and in silico predictions of the variant's effect on protein function are inconclusive. The evidence is insufficient to meet ACMG/AMP criteria for classifying the variant as benign or pathogenic. Thus, the clinical significance of this variant is currently uncertain.